The following is an entry in ClinVar:

NM_177438.3(DICER1):c.59C>A (p.Ala20Asp)

Gene: DICER1 (dicer 1, ribonuclease III; minus strand). Cytogenetic location: 14q32.13.
Variant type: single nucleotide variant.
Coding change: c.59C>A on transcript NM_177438.3 (MANE Select); coding-DNA position 59, C replaced by A.
Protein change: p.Ala20Asp; replaces alanine 20 with aspartic acid.
Molecular consequence: missense variant. On other transcripts: 5 prime UTR variant (8), non-coding transcript variant (6), intron variant (1).
Genome position (GRCh38, 1-based): chr14:95,133,400, G>T on the plus strand (C>A on the coding strand, the complement: DICER1 is on the minus strand). VCF-style: chr14-95133400-G-T. GRCh37 (hg19) VCF-style: chr14-95599737-G-T.
Other names: c.59C>A, p.Ala20Asp (NM_001195573.1, NM_001271282.3, NM_001291628.2 and 15 more transcripts); c.-216C>A (NM_001395686.1, NM_001395688.1, NM_001395689.1 and 3 more transcripts); c.-400C>A (NM_001395691.1); c.-1510C>A (NM_001395697.1); c.-130-723C>A (NM_001395687.1); short protein forms A20D.
Identifiers: ClinVar variation 1750952 (VCV001750952.2), dbSNP rs147660793, ClinGen allele CA390890644.

ClinVar aggregate classification (germline): Uncertain significance (1 of 4 stars; one submission).

Conditions:
Hereditary cancer-predisposing syndrome. Also called: Hereditary Cancer Syndrome; Hereditary neoplastic syndrome; Neoplastic Syndromes, Hereditary; Tumor predisposition. Identifiers: Orphanet 140162, MedGen C0027672, MeSH D009386, MONDO:0015356.

Submission:

Ambry Genetics
Classification: Uncertain significance for Hereditary cancer-predisposing syndrome. Last evaluated: 2024-01-29. Review status: criteria provided, single submitter. Criteria: Ambry Variant Classification Scheme 2023. Collection method: clinical testing. Allele origin: germline.
Comment: The p.A20D variant (also known as c.59C>A), located in coding exon 1 of the DICER1 gene, results from a C to A substitution at nucleotide position 59. The alanine at codon 20 is replaced by aspartic acid, an amino acid with dissimilar properties. This amino acid position is highly conserved in available vertebrate species. In addition, this alteration is predicted to be deleterious by in silico analysis. Based on the available evidence, the clinical significance of this alteration remains unclear.